The following is an entry in ClinVar:

NM_022786.3(ARV1):c.691C>T (p.Arg231Cys)

Gene: ARV1 (ARV1 fatty acid homeostasis modulator; plus strand). Cytogenetic location: 1q42.2.
Variant type: single nucleotide variant.
Coding change: c.691C>T on transcript NM_022786.3 (MANE Select); coding-DNA position 691, C replaced by T.
Protein change: p.Arg231Cys; replaces arginine 231 with cysteine.
Molecular consequence: missense variant. On other transcripts: non-coding transcript variant (1).
Genome position (GRCh38, 1-based): chr1:230,997,138, C>T. VCF-style: chr1-230997138-C-T. GRCh37 (hg19) VCF-style: chr1-231132884-C-T.
Other names: c.790C>T, p.Arg264Cys (NM_001346992.2); c.691C>T (NM_022786.1); short protein forms R231C, R264C.
Identifiers: ClinVar variation 2439213 (VCV002439213.4), dbSNP rs545841146, ClinGen allele CA38907898.

ClinVar aggregate classification (germline): Uncertain significance. Review status: criteria provided, multiple submitters, no conflicts (2 of 4 stars). 2 submissions from 2 submitters: Uncertain significance (2). Last evaluated 2025-01-09.

Conditions:
Developmental and epileptic encephalopathy, 38 (DEE38). Also called: Epileptic encephalopathy, early infantile, 38. Identifiers: MedGen C4310762, MONDO:0014868, OMIM 617020.

Allele frequency attached by ClinVar (database versions not stated): TOPMed 0.00001.
gnomAD v4.1: 21 of 1,614,052 alleles (0.0013%); highest among the groups gnomAD compares: Middle Eastern, 0.033%; no homozygotes.

Submissions (2):

GeneDx
Classification: Uncertain significance. Last evaluated: 2025-01-09. Review status: criteria provided, single submitter. Criteria: GeneDx Variant Classification Process June 2021. Collection method: clinical testing. Allele origin: germline. Affected: yes.
Comment: In silico analysis supports that this missense variant has a deleterious effect on protein structure/function; Has not been previously published as pathogenic or benign to our knowledge

Revvity Omics, Revvity
Classification: Uncertain significance for Developmental and epileptic encephalopathy, 38. Last evaluated: 2019-08-16. Review status: criteria provided, single submitter. Criteria: ACMG Guidelines, 2015. Collection method: clinical testing. Allele origin: germline.